The following is an entry in ClinVar:

ClinVar aggregate classification (germline): Uncertain significance (1 of 4 stars; one submission).

Conditions:
Cystic fibrosis (CF). Also called: MUCOVISCIDOSIS. Identifiers: Orphanet 586, MedGen C0010674, MONDO:0009061, OMIM 219700. Disease mechanism: loss of function.

Submission:

Ambry Genetics
Classification: Uncertain significance for Cystic fibrosis. Last evaluated: 2023-12-29. Review status: criteria provided, single submitter. Criteria: Ambry Variant Classification Scheme 2023. Collection method: clinical testing. Allele origin: germline.
Comment: The p.V1322A variant (also known as c.3965T>C), located in coding exon 25 of the CFTR gene, results from a T to C substitution at nucleotide position 3965. The valine at codon 1322 is replaced by alanine, an amino acid with similar properties. This amino acid position is highly conserved in available vertebrate species. In addition, this alteration is predicted to be deleterious by in silico analysis. Since supporting evidence is limited at this time, the clinical significance of this alteration remains unclear.

NM_000492.4(CFTR):c.3965T>C (p.Val1322Ala)

Gene: CFTR (CF transmembrane conductance regulator; plus strand). Cytogenetic location: 7q31.2.
Variant type: single nucleotide variant.
Coding change: c.3965T>C on transcript NM_000492.4 (MANE Select); coding-DNA position 3965, T replaced by C.
Protein change: p.Val1322Ala; replaces valine 1322 with alanine.
Molecular consequence: missense variant.
Genome position (GRCh38, 1-based): chr7:117,664,689, T>C. VCF-style: chr7-117664689-T-C. GRCh37 (hg19) VCF-style: chr7-117304743-T-C.
Other names: short protein forms V1322A.
Identifiers: ClinVar variation 3231906 (VCV003231906.1), dbSNP rs1793339292, ClinGen allele CA368981706.